The following is an entry in ClinVar:

NM_000452.3(SLC10A2):c.308_309del (p.Ile103fs)

Gene: SLC10A2 (solute carrier family 10 member 2; minus strand). Cytogenetic location: 13q33.1.
Variant type: Microsatellite.
Coding change: c.308_309del on transcript NM_000452.3 (MANE Select); coding-DNA positions 308 to 309, 2 bases deleted (TA; older notation c.308_309delTA).
Protein change: p.Ile103fs; shifts the reading frame from isoleucine 103.
Molecular consequence: frameshift variant.
Genome position (GRCh38, 1-based): chr13:103,065,941-103,065,942, TA deleted on the plus strand (TA on the coding strand, the reverse complement: SLC10A2 is on the minus strand); deleting any 2 consecutive bases within chr13:103,065,941-103,065,944 gives the same sequence; the c. name uses the placement nearest the transcript's 3' end. VCF-style (leftmost placement, unchanged base first): chr13-103065940-CTA-C. GRCh37 (hg19) VCF-style: chr13-103718290-CTA-C.
Other names: short protein forms I103fs.
Identifiers: ClinVar variation 3061150 (VCV003061150.2), dbSNP rs2501426866, ClinGen allele CA2623619412.

ClinVar aggregate classification (germline): Uncertain significance (0 of 4 stars; one submission).

Conditions:
SLC10A2-related disorder. Also called: SLC10A2-related condition.

Submission:

PreventionGenetics, part of Exact Sciences
Classification: Uncertain significance for SLC10A2-related condition. Last evaluated: 2024-02-01. Review status: no assertion criteria provided. Collection method: clinical testing. Allele origin: germline.
Comment: The SLC10A2 c.308_309delTA variant is predicted to result in a frameshift and premature protein termination (p.Ile103Argfs*60). To our knowledge, this variant has not been reported in the literature or in a large population database, indicating this variant is rare. Loss-of-function is not a conclusively established mechanism for SLC10A2-related disease. Although we suspect that this variant may be pathogenic, at this time, the clinical significance of this variant is uncertain due to the absence of conclusive functional and genetic evidence.